The following is an entry in ClinVar:

NM_014915.3(ANKRD26):c.236T>C (p.Met79Thr)

Gene: ANKRD26 (ankyrin repeat domain containing 26; minus strand). Cytogenetic location: 10p12.1.
Variant type: single nucleotide variant.
Coding change: c.236T>C on transcript NM_014915.3 (MANE Select); coding-DNA position 236, T replaced by C.
Protein change: p.Met79Thr; replaces methionine 79 with threonine.
Molecular consequence: missense variant.
Genome position (GRCh38, 1-based): chr10:27,100,091, A>G on the plus strand (T>C on the coding strand, the complement: ANKRD26 is on the minus strand). VCF-style: chr10-27100091-A-G. GRCh37 (hg19) VCF-style: chr10-27389020-A-G.
Other names: c.236T>C, p.Met79Thr (NM_001256053.2); short protein forms M79T.
Identifiers: ClinVar variation 4102684 (VCV004102684.1).
Genomic context (GRCh38, chr10:27,100,091, plus strand): 5'-CTTCCTGCCCGCCTACTCCAGTGGCACTCAGTCCGGGCTTGCGACGCCTATTACCTGTTC[A>G]TCTTGTCTCTATCGTTCAAGCCATTCTTCCTGAGCAAAAGGATCTGCTGCACTTTCGCCA-3'
Protein context (NP_055730.2, residues 69-89): RKNGLNDRDK[Met79Thr]NRTALHLACA

ClinVar aggregate classification (germline): Uncertain significance (1 of 4 stars; one submission).

Conditions:
Inborn genetic diseases. Identifiers: MedGen C0950123, MeSH D030342.

gnomAD v4.1: 1 of 1,613,922 alleles (0.000062%); highest among the groups gnomAD compares: Non-Finnish European, 0.000085%; no homozygotes.

Submission:

Ambry Genetics
Classification: Uncertain significance for Inborn genetic diseases. Last evaluated: 2025-07-04. Review status: criteria provided, single submitter. Criteria: Ambry Variant Classification Scheme 2023. Collection method: clinical testing. Allele origin: germline.
Comment: The p.M79T variant (also known as c.236T>C), located in coding exon 1 of the ANKRD26 gene, results from a T to C substitution at nucleotide position 236. The methionine at codon 79 is replaced by threonine, an amino acid with similar properties. This amino acid position is conserved. In addition, this alteration is predicted to be tolerated by in silico analysis. Based on the available evidence, the clinical significance of this variant remains unclear.